The following is an entry in ClinVar:

NM_013254.4(TBK1):c.2129T>A (p.Ile710Asn)

Gene: TBK1 (TANK binding kinase 1; plus strand). Cytogenetic location: 12q14.2.
Variant type: single nucleotide variant.
Coding change: c.2129T>A on transcript NM_013254.4 (MANE Select); coding-DNA position 2129, T replaced by A.
Protein change: p.Ile710Asn; replaces isoleucine 710 with asparagine.
Molecular consequence: missense variant.
Genome position (GRCh38, 1-based): chr12:64,498,030, T>A. VCF-style: chr12-64498030-T-A. GRCh37 (hg19) VCF-style: chr12-64891810-T-A.
Other names: short protein forms I710N.
Identifiers: ClinVar variation 2735907 (VCV002735907.3), dbSNP rs1296859458, ClinGen allele CA385607891.

ClinVar aggregate classification (germline): Uncertain significance (1 of 4 stars; one submission).

Conditions:
Frontotemporal dementia and/or amyotrophic lateral sclerosis 4. Also called: FTDALS4. Identifiers: Orphanet 275872, MedGen C4225325, MONDO:0014641, OMIM 616439.

gnomAD v4.1: 2 of 1,599,766 alleles (0.00013%); no homozygotes.

Submission:

Labcorp Genetics (formerly Invitae), Labcorp
Classification: Uncertain significance for Frontotemporal dementia and/or amyotrophic lateral sclerosis 4. Last evaluated: 2024-01-19. Review status: criteria provided, single submitter. Criteria: Invitae Variant Classification Sherloc (09022015). Collection method: clinical testing. Allele origin: germline.
Comment: This sequence change replaces isoleucine, which is neutral and non-polar, with asparagine, which is neutral and polar, at codon 710 of the TBK1 protein (p.Ile710Asn). This variant is present in population databases (no rsID available, gnomAD 0.0009%). This variant has not been reported in the literature in individuals affected with TBK1-related conditions. Advanced modeling of protein sequence and biophysical properties (such as structural, functional, and spatial information, amino acid conservation, physicochemical variation, residue mobility, and thermodynamic stability) performed at Invitae indicates that this missense variant is not expected to disrupt TBK1 protein function with a negative predictive value of 95%. In summary, the available evidence is currently insufficient to determine the role of this variant in disease. Therefore, it has been classified as a Variant of Uncertain Significance.